The following is an entry in ClinVar:

NM_001365536.1(SCN9A):c.5018A>G (p.Asp1673Gly)

Genes: SCN9A (sodium voltage-gated channel alpha subunit 9; minus strand), SCN1A-AS1 (SCN1A and SCN9A antisense RNA 1; plus strand). Cytogenetic location: 2q24.3.
Variant type: single nucleotide variant.
Coding change: c.5018A>G on transcript NM_001365536.1 (MANE Select); coding-DNA position 5018, A replaced by G.
Protein change: p.Asp1673Gly; replaces aspartic acid 1673 with glycine.
Molecular consequence: missense variant.
Genome position (GRCh38, 1-based): chr2:166,199,621, T>C on the plus strand (A>G on the coding strand, the complement: SCN9A is on the minus strand). VCF-style: chr2-166199621-T-C. GRCh37 (hg19) VCF-style: chr2-167056131-T-C.
Other names: c.4985A>G, p.Asp1662Gly (NM_002977.4); short protein forms D1662G, D1673G.
Identifiers: ClinVar variation 1060299 (VCV001060299.9), dbSNP rs1693382964, ClinGen allele CA349054906.

ClinVar aggregate classification (germline): Uncertain significance (1 of 4 stars; one submission).

Conditions:
Neuropathy, hereditary sensory and autonomic, type 2A (HSAN2A). Also called: MORVAN DISEASE; NEUROPATHY, CONGENITAL SENSORY; NEUROPATHY, HEREDITARY SENSORY RADICULAR, AUTOSOMAL RECESSIVE; NEUROPATHY, HEREDITARY SENSORY, TYPE IIA; NEUROPATHY, PROGRESSIVE SENSORY, OF CHILDREN; ACROOSTEOLYSIS, GIACCAI TYPE. Identifiers: Orphanet 970, MedGen C2752089, MONDO:0024309, OMIM 201300.
Generalized epilepsy with febrile seizures plus, type 7 (GEFSP7). Also called: GEFS+, TYPE 7. Identifiers: Orphanet 36387, MedGen C2751778, MONDO:0013470, OMIM 613863.

Allele frequency attached by ClinVar (database versions not stated): TOPMed below 0.00001.

Submission:

Labcorp Genetics (formerly Invitae), Labcorp
Classification: Uncertain significance for Neuropathy, hereditary sensory and autonomic, type 2A; Generalized epilepsy with febrile seizures plus, type 7. Last evaluated: 2021-02-16. Review status: criteria provided, single submitter. Criteria: Invitae Variant Classification Sherloc (09022015). Collection method: clinical testing. Allele origin: germline.
Comment: In summary, the available evidence is currently insufficient to determine the role of this variant in disease. Therefore, it has been classified as a Variant of Uncertain Significance. Algorithms developed to predict the effect of sequence changes on RNA splicing suggest that this variant may create or strengthen a splice site, but this prediction has not been confirmed by published transcriptional studies. Algorithms developed to predict the effect of missense changes on protein structure and function (SIFT, PolyPhen-2, Align-GVGD) all suggest that this variant is likely to be tolerated, but these predictions have not been confirmed by published functional studies and their clinical significance is uncertain. This variant has not been reported in the literature in individuals with SCN9A-related conditions. This variant is not present in population databases (ExAC no frequency). This sequence change replaces aspartic acid with glycine at codon 1662 of the SCN9A protein (p.Asp1662Gly). The aspartic acid residue is weakly conserved and there is a moderate physicochemical difference between aspartic acid and glycine.